The following is an entry in ClinVar:

NM_001110556.2(FLNA):c.7334-5C>T

Gene: FLNA (filamin A; minus strand). Cytogenetic location: Xq28.
Variant type: single nucleotide variant.
Coding change: c.7334-5C>T on transcript NM_001110556.2 (MANE Select); 5 bases into the intron before coding-DNA position 7334, C replaced by T.
Molecular consequence: intron variant.
Genome position (GRCh38, 1-based): chrX:154,349,872, G>A on the plus strand (C>T on the coding strand, the complement: FLNA is on the minus strand). VCF-style: chrX-154349872-G-A. GRCh37 (hg19) VCF-style: chrX-153578240-G-A.
Other names: c.7334-5C>T (NM_001110556.1); c.7310-5C>T (NM_001456.4).
Identifiers: ClinVar variation 1225977 (VCV001225977.16), dbSNP rs782656039, ClinGen allele CA10559905.

ClinVar aggregate classification (germline): Likely benign. Review status: criteria provided, multiple submitters, no conflicts (2 of 4 stars). 5 submissions from 5 submitters: Likely benign (4). 1 of the submissions does not count toward it. Last evaluated 2026-01-29.

Conditions:
Familial thoracic aortic aneurysm and aortic dissection (TAAD). Also called: Thoracic aortic aneurysms and dissections. Identifiers: Orphanet 91387, MedGen C4707243, MONDO:0019625.
FLNA-related disorder.
Melnick-Needles syndrome (MNS). Also called: Melnick-Needles Syndrome (FLNA-MNS); MELNICK-NEEDLES OSTEODYSPLASTY; OSTEODYSPLASTY OF MELNICK AND NEEDLES. Identifiers: Orphanet 2484, MedGen C0025237, MONDO:0010650, OMIM 309350.
Heterotopia, periventricular, X-linked dominant (PVNH1). Also called: PERIVENTRICULAR NODULAR HETEROTOPIA 4; HETEROTOPIA, PERIVENTRICULAR, 1; PERIVENTRICULAR NODULAR HETEROTOPIA 1; X-linked periventricular heterotopia. Identifiers: Orphanet 2149, Orphanet 82004, MedGen C1848213, MONDO:0010233, OMIM 300049.
Oto-palato-digital syndrome, type II (OPD2). Also called: Otopalatodigital Syndrome, Type II; Otopalatodigital Syndrome Type 2 (FLNA-OPD2); FACIOPALATOOSSEOUS SYNDROME; OPD II SYNDROME. Identifiers: Orphanet 669, Orphanet 90652, MedGen C1844696, MONDO:0010571, OMIM 304120.
Frontometaphyseal dysplasia (FMD1). Identifiers: Orphanet 1826, MedGen C0265293, MONDO:0015942.

Allele frequency attached by ClinVar (database versions not stated): gnomAD 0.00001 and 0.00003; TOPMed 0.00001; ExAC 0.00004; gnomAD exomes 0.00005.
gnomAD v4.1: 57 of 1,207,288 alleles (0.0047%); highest among the groups gnomAD compares: Middle Eastern, 0.069%; no homozygotes.

Submissions (5):

Labcorp Genetics (formerly Invitae), Labcorp
Classification: Likely benign for Oto-palato-digital syndrome, type II; Heterotopia, periventricular, X-linked dominant; Frontometaphyseal dysplasia; Melnick-Needles syndrome. Last evaluated: 2026-01-29. Review status: criteria provided, single submitter. Criteria: Invitae Variant Classification Sherloc (09022015). Collection method: clinical testing. Allele origin: germline.

Blueprint Genetics
Classification: Likely benign. Last evaluated: 2024-01-18. Review status: criteria provided, single submitter. Criteria: ACMG Guidelines, 2015. Collection method: clinical testing. Allele origin: germline.

GeneDx
Classification: Likely benign. Last evaluated: 2021-03-16. Review status: criteria provided, single submitter. Criteria: GeneDx Variant Classification Process June 2021. Collection method: clinical testing. Allele origin: germline. Affected: yes.

Ambry Genetics
Classification: Likely benign for Familial thoracic aortic aneurysm and aortic dissection. Last evaluated: 2019-02-26. Review status: criteria provided, single submitter. Criteria: Ambry Variant Classification Scheme 2023. Collection method: clinical testing. Allele origin: germline.

PreventionGenetics, part of Exact Sciences
Classification: Likely benign for FLNA-related condition. Last evaluated: 2021-06-02. Review status: no assertion criteria provided. Collection method: clinical testing. Allele origin: germline. Not counted in ClinVar's aggregate classification.
Comment: This variant is classified as likely benign based on ACMG/AMP sequence variant interpretation guidelines (Richards et al. 2015 PMID: 25741868, with internal and published modifications).